The following is an entry in ClinVar:

ClinVar aggregate classification (germline): Benign. Review status: criteria provided, multiple submitters, no conflicts (2 of 4 stars). 14 submissions from 14 submitters: Benign (10). 4 of the submissions do not count toward it. Last evaluated 2026-02-04.

Conditions:
Bardet-Biedl syndrome (BBS). Identifiers: Orphanet 110, MedGen C0752166, MONDO:0015229.
Bardet-Biedl syndrome 1 (BBS1). Identifiers: MedGen C2936862, MONDO:0008854, OMIM 209900. Disease mechanism: loss of function.
Bardet-Biedl syndrome 4 (BBS4). Identifiers: Orphanet 110, MedGen C2936864, MONDO:0014433, OMIM 615982.
Early onset severe obesity. Identifiers: MedGen C4013980.

Allele frequency attached by ClinVar (database versions not stated): gnomAD 0.52534 and 0.52665; ESP Exome Variant Server 0.53272; ExAC 0.57432; gnomAD exomes 0.61418 and 0.57347; 1000 Genomes Project 30x 0.43082; 1000 Genomes Project 0.42891; TOPMed 0.50798.
gnomAD v4.1: 975,165 of 1,612,062 alleles (60%); highest among the groups gnomAD compares: Non-Finnish European, 64%; 303,685 homozygotes.

Submissions (14):

Labcorp Genetics (formerly Invitae), Labcorp
Classification: Benign for Bardet-Biedl syndrome. Last evaluated: 2026-02-04. Review status: criteria provided, single submitter. Criteria: Invitae Variant Classification Sherloc (09022015). Collection method: clinical testing. Allele origin: germline.

Blueprint Genetics
Classification: Benign. Last evaluated: 2024-11-28. Review status: criteria provided, single submitter. Criteria: ACMG Guidelines, 2015. Collection method: clinical testing. Allele origin: germline.

Cambridge Genomics Laboratory, East Genomic Laboratory Hub, NHS Genomic Medicine Service
Classification: Benign for Severe early-onset obesity. Last evaluated: 2023-08-09. Review status: criteria provided, single submitter. Criteria: ACGS Best Practice Guidelines for Variant Classification in Rare Disease 2020. Collection method: clinical testing. Allele origin: germline. Affected: yes.
Comment: The variant is observed in one or more well-documented healthy adults. (BS2 - Strong) | The p.(Ile354Thr) variant is observed in 13.811/18.364 (75.2069%) alleles from individuals of gnomAD East Asian background in gnomAD All. The p.(Ile354Thr) variant is observed in 2.148/5.008 (42.8914%) alleles from individuals of 1kG All background in 1kG All. The p.(Ile354Thr) variant is observed in 3.915/5.182 (75.55%) alleles from individuals of gnomAD Genomes v3 East Asian background in gnomAD Genomes v3. The minor allele of 'T' in gnomAD All, and gnomAD Genomes v3. It is also the reference allele in the genome assembly, indicating it is a common benign variant. (BA1 - Standalone) | The p.(Ile354Thr) missense variant is predicted to be tolerated by both SIFT or PolyPhen2. The threonine residue at codon 354 of BBS4 is present in Squirrel and 23 other mammalian species. The nucleotide c.1061 in BBS4 is not conserved according to a GERP++ and PhyloP analysis of 100 vertebrates. (BP4_Strong - Strong)

Mayo Clinic Laboratories, Mayo Clinic
Classification: Benign. Last evaluated: 2022-11-16. Review status: criteria provided, single submitter. Criteria: ACMG Guidelines, 2015. Collection method: clinical testing. Allele origin: germline. Observed: 56 variant alleles.
Comment: BA1, BP4

Women's Health and Genetics/Laboratory Corporation of America, LabCorp
Classification: Benign. Last evaluated: 2021-12-03. Review status: criteria provided, single submitter. Criteria: LabCorp Variant Classification Summary - May 2015. Collection method: clinical testing. Allele origin: germline.

Genome-Nilou Lab
Classification: Benign for Bardet-Biedl syndrome 4. Last evaluated: 2021-07-14. Review status: criteria provided, single submitter. Criteria: ACMG Guidelines, 2015. Collection method: clinical testing. Allele origin: germline. Affected: no.

Illumina Laboratory Services, Illumina
Classification: Benign for Bardet-Biedl syndrome 4. Last evaluated: 2018-01-13. Review status: criteria provided, single submitter. Criteria: ICSL Variant Classification Criteria 13 December 2019. Collection method: clinical testing. Allele origin: germline.
Comment: This variant was observed in the ICSL laboratory as part of a predisposition screen in an ostensibly healthy population. It had not been previously curated by ICSL or reported in the Human Gene Mutation Database (HGMD: prior to June 1st, 2018), and was therefore a candidate for classification through an automated scoring system. Utilizing variant allele frequency, disease prevalence and penetrance estimates, and inheritance mode, an automated score was calculated to assess if this variant is too frequent to cause the disease. Based on the score and internal cut-off values, a variant classified as benign is not then subjected to further curation. The score for this variant resulted in a classification of benign for this disease.

Eurofins Ntd Llc (ga)
Classification: Benign. Last evaluated: 2013-12-17. Review status: criteria provided, single submitter. Criteria: EGL Classification Definitions 2015. Collection method: clinical testing. Allele origin: germline. Observed: 2 variant alleles, 1 heterozygote, 1 homozygote.

Breakthrough Genomics
Classification: Benign. Review status: criteria provided, single submitter. Criteria: ACMG Guidelines, 2015. Collection method: not provided. Allele origin: germline. Inheritance: Autosomal recessive inheritance. Affected: yes.

PreventionGenetics, part of Exact Sciences
Classification: Benign. Review status: criteria provided, single submitter. Criteria: ACMG Guidelines, 2015. Collection method: clinical testing. Allele origin: germline.

GeneReviews
Classification: Benign for Bardet-Biedl Syndrome. Last evaluated: 2009-10-13. Review status: no assertion criteria provided. Collection method: curation. Allele origin: unknown. Not counted in ClinVar's aggregate classification.
ClinVar note: Converted during submission from benign to Benign.

Clinical Genetics DNA and cytogenetics Diagnostics Lab, Erasmus MC, Erasmus Medical Center
Classification: Benign. Review status: no assertion criteria provided. Collection method: clinical testing. Allele origin: germline. Affected: yes. Study: VKGL Data-share Consensus. Not counted in ClinVar's aggregate classification.

Department of Ophthalmology and Visual Sciences Kyoto University
Classification: Likely benign. Review status: no assertion criteria provided. Collection method: not provided. Allele origin: unknown. Not counted in ClinVar's aggregate classification.
ClinVar note: Converted during submission from probable-non-pathogenic to Likely benign.

Diagnostic Laboratory, Department of Genetics, University Medical Center Groningen
Classification: Benign for Bardet-Biedl syndrome 1. Review status: no assertion criteria provided. Collection method: clinical testing. Allele origin: germline. Affected: yes. Study: VKGL Data-share Consensus. Not counted in ClinVar's aggregate classification.

NM_033028.5(BBS4):c.1061T>C (p.Ile354Thr)

Gene: BBS4 (Bardet-Biedl syndrome 4; plus strand). Cytogenetic location: 15q24.1.
Variant type: single nucleotide variant.
Coding change: c.1061T>C on transcript NM_033028.5 (MANE Select); coding-DNA position 1061, T replaced by C.
Protein change: p.Ile354Thr; replaces isoleucine 354 with threonine.
Molecular consequence: missense variant. On other transcripts: non-coding transcript variant (2).
Genome position (GRCh38, 1-based): chr15:72,735,137, T>C. VCF-style: chr15-72735137-T-C. GRCh37 (hg19) VCF-style: chr15-73027478-T-C.
Other names: c.1061T/C; c.545T>C, p.Ile182Thr (NM_001252678.2); c.992T>C, p.Ile331Thr (NM_001320665.2); short protein forms I354T, I182T, I331T.
Identifiers: ClinVar variation 21734 (VCV000021734.28), dbSNP rs2277598, ClinGen allele CA179792.